The following is an entry in ClinVar:

ClinVar aggregate classification (germline): Uncertain significance (1 of 4 stars; one submission).

gnomAD v4.1: 1 of 1,614,048 alleles (0.000062%); highest among the groups gnomAD compares: Non-Finnish European, 0.000085%; no homozygotes.

Submission:

GeneDx
Classification: Uncertain significance. Last evaluated: 2026-04-11. Review status: criteria provided, single submitter. Criteria: GeneDx Variant Classification Process June 2021. Collection method: clinical testing. Allele origin: germline.
Comment: Not observed at significant frequency in large population cohorts (gnomAD); In silico analysis supports that this missense variant has a deleterious effect on protein structure/function; Has not been previously published as pathogenic or benign to our knowledge

NM_000384.3(APOB):c.13202A>G (p.Tyr4401Cys)

Gene: APOB (apolipoprotein B; minus strand). Cytogenetic location: 2p24.1.
Variant type: single nucleotide variant.
Coding change: c.13202A>G on transcript NM_000384.3 (MANE Select); coding-DNA position 13202, A replaced by G.
Protein change: p.Tyr4401Cys; replaces tyrosine 4401 with cysteine.
Molecular consequence: missense variant.
Genome position (GRCh38, 1-based): chr2:21,002,220, T>C on the plus strand (A>G on the coding strand, the complement: APOB is on the minus strand). VCF-style: chr2-21002220-T-C. GRCh37 (hg19) VCF-style: chr2-21225092-T-C.
Other names: short protein forms Y4401C.
Identifiers: ClinVar variation 5018382 (VCV005018382.1).
Genomic context (GRCh38, chr2:21,002,220, plus strand): 5'-AAGTCCTTAAGAGCAACTAACAGGTTCTTGATCAGACTGACTATCTTTTCTTCAAGTTCA[T>C]AATATTTCACTGTCCAGCCAACTATACTTGGATCAAAATATTCTTCACGAAGGGCCATAA-3'
Protein context (NP_000375.3, residues 4391-4411): PSIVGWTVKY[Tyr4401Cys]ELEEKIVSLI